The following is an entry in ClinVar:

NM_014141.6(CNTNAP2):c.92C>G (p.Thr31Arg)

Gene: CNTNAP2 (contactin associated protein 2; plus strand). Cytogenetic location: 7q35.
Variant type: single nucleotide variant.
Coding change: c.92C>G on transcript NM_014141.6 (MANE Select); coding-DNA position 92, C replaced by G.
Protein change: p.Thr31Arg; replaces threonine 31 with arginine.
Molecular consequence: missense variant.
Genome position (GRCh38, 1-based): chr7:146,116,968, C>G. VCF-style: chr7-146116968-C-G. GRCh37 (hg19) VCF-style: chr7-145814060-C-G.
Other names: short protein forms T31R.
Identifiers: ClinVar variation 1442425 (VCV001442425.8), dbSNP rs1387747328, ClinGen allele CA369922163.

ClinVar aggregate classification (germline): Uncertain significance (1 of 4 stars; one submission).

Conditions:
Cortical dysplasia-focal epilepsy syndrome (PTHSL1). Also called: Pitt-Hopkins-like syndrome 1. Identifiers: Orphanet 163681, Orphanet 221150, MedGen C2750246, MONDO:0012400, OMIM 610042.

Allele frequency attached by ClinVar (database versions not stated): gnomAD exomes below 0.00001 and 0.00001; TOPMed below 0.00001; gnomAD 0.00001.
gnomAD v4.1: 2 of 1,551,158 alleles (0.00013%); highest among the groups gnomAD compares: African/African-American, 0.0014%; no homozygotes.

Submission:

Labcorp Genetics (formerly Invitae), Labcorp
Classification: Uncertain significance for Cortical dysplasia-focal epilepsy syndrome. Last evaluated: 2022-03-03. Review status: criteria provided, single submitter. Criteria: Invitae Variant Classification Sherloc (09022015). Collection method: clinical testing. Allele origin: germline.
Comment: This sequence change replaces threonine, which is neutral and polar, with arginine, which is basic and polar, at codon 31 of the CNTNAP2 protein (p.Thr31Arg). In summary, the available evidence is currently insufficient to determine the role of this variant in disease. Therefore, it has been classified as a Variant of Uncertain Significance. Algorithms developed to predict the effect of sequence changes on RNA splicing suggest that this variant may create or strengthen a splice site. Algorithms developed to predict the effect of missense changes on protein structure and function are either unavailable or do not agree on the potential impact of this missense change (SIFT: "Deleterious"; PolyPhen-2: "Benign"; Align-GVGD: "Class C0"). This variant has not been reported in the literature in individuals affected with CNTNAP2-related conditions. This variant is present in population databases (no rsID available, gnomAD 0.01%).